The following is an entry in ClinVar:

ClinVar aggregate classification (germline): Uncertain significance. Review status: criteria provided, multiple submitters, no conflicts (2 of 4 stars). 3 submissions from 3 submitters: Uncertain significance (3). Last evaluated 2024-05-21.

Conditions:
Ataxia-telangiectasia syndrome (AT). Also called: Ataxia-telangiectasia, complementation group D; AT, COMPLEMENTATION GROUP C; Ataxia-telangiectasia; ATAXIA-TELANGIECTASIA, COMPLEMENTATION GROUP A; ATAXIA-TELANGIECTASIA, FRESNO VARIANT; LOUIS-BAR SYNDROME. Identifiers: Orphanet 100, MedGen C0004135, MONDO:0008840, OMIM 208900.
Hereditary cancer-predisposing syndrome. Also called: Hereditary Cancer Syndrome; Neoplastic Syndromes, Hereditary; Tumor predisposition; Hereditary neoplastic syndrome. Identifiers: Orphanet 140162, MedGen C0027672, MeSH D009386, MONDO:0015356.

Allele frequency attached by ClinVar (database versions not stated): gnomAD exomes below 0.00001; ExAC 0.00001.

Submissions (3):

Labcorp Genetics (formerly Invitae), Labcorp
Classification: Uncertain significance for Ataxia-telangiectasia syndrome. Last evaluated: 2024-05-21. Review status: criteria provided, single submitter. Criteria: Invitae Variant Classification Sherloc (09022015). Collection method: clinical testing. Allele origin: germline.
Comment: This sequence change falls in intron 10 of the ATM gene. It does not directly change the encoded amino acid sequence of the ATM protein. It affects a nucleotide within the consensus splice site. This variant is present in population databases (rs766535949, gnomAD 0.003%). This variant has not been reported in the literature in individuals affected with ATM-related conditions. ClinVar contains an entry for this variant (Variation ID: 631433). Variants that disrupt the consensus splice site are a relatively common cause of aberrant splicing (PMID: 17576681, 9536098). Algorithms developed to predict the effect of sequence changes on RNA splicing suggest that this variant may disrupt the consensus splice site. In summary, the available evidence is currently insufficient to determine the role of this variant in disease. Therefore, it has been classified as a Variant of Uncertain Significance.

Ambry Genetics
Classification: Uncertain significance for Hereditary cancer-predisposing syndrome. Last evaluated: 2023-01-19. Review status: criteria provided, single submitter. Criteria: Ambry Variant Classification Scheme 2023. Collection method: clinical testing. Allele origin: germline.
Comment: The c.1607+5G>A intronic variant results from a G to A substitution 5 nucleotides after coding exon 9 in the ATM gene. This nucleotide position is well conserved in available vertebrate species. In silico splice site analysis predicts that this alteration will weaken the native splice donor site. RNA studies have demonstrated that this alteration results in an incomplete splice defect; the clinical impact of this abnormal splicing is unknown at this time (Ambry internal data). Since supporting evidence is limited at this time, the clinical significance of this alteration remains unclear.

Color Diagnostics, LLC DBA Color Health
Classification: Uncertain significance for Hereditary cancer-predisposing syndrome. Last evaluated: 2019-08-07. Review status: criteria provided, single submitter. Criteria: ACMG Guidelines, 2015. Collection method: clinical testing. Allele origin: germline.
Comment: This variant causes a G>A nucleotide substitution at the +5 position of intron 10 of the ATM gene. Splice site prediction tools suggest that this variant may have a significant impact on RNA splicing, however, this prediction has not been confirmed in published RNA studies. To our knowledge, this variant has not been reported in individuals affected with hereditary cancer in the literature. This variant has been identified in 1/249912 chromosomes in the general population by the Genome Aggregation Database (gnomAD). Available evidence is insufficient to determine the role of this variant in disease conclusively. Therefore, this variant is classified as a Variant of Uncertain Significance.

Literature cited by the submitters: PubMed 17576681 (cited by Labcorp Genetics (formerly Invitae), Labcorp); PubMed 9536098 (cited by Labcorp Genetics (formerly Invitae), Labcorp).

NM_000051.4(ATM):c.1607+5G>A

Gene: ATM (ATM serine/threonine kinase; plus strand). Cytogenetic location: 11q22.3.
Variant type: single nucleotide variant.
Coding change: c.1607+5G>A on transcript NM_000051.4 (MANE Select); 5 bases into the intron after coding-DNA position 1607, G replaced by A.
Molecular consequence: intron variant.
Genome position (GRCh38, 1-based): chr11:108,251,077, G>A. VCF-style: chr11-108251077-G-A. GRCh37 (hg19) VCF-style: chr11-108121804-G-A.
Other names: c.1607+5G>A (NM_001351834.2).
Identifiers: ClinVar variation 631433 (VCV000631433.15), dbSNP rs766535949, ClinGen allele CA6264832.